The following is an entry in ClinVar:

NM_003873.7(NRP1):c.1482C>T (p.Ile494=)

Gene: NRP1 (neuropilin 1; minus strand). Cytogenetic location: 10p11.22.
Variant type: single nucleotide variant.
Coding change: c.1482C>T on transcript NM_003873.7 (MANE Select); coding-DNA position 1482, C replaced by T.
Protein change: p.Ile494=; no amino-acid change (isoleucine 494 retained).
Molecular consequence: synonymous variant. On other transcripts: non-coding transcript variant (1).
Genome position (GRCh38, 1-based): chr10:33,213,518, G>A on the plus strand (C>T on the coding strand, the complement: NRP1 is on the minus strand). VCF-style: chr10-33213518-G-A. GRCh37 (hg19) VCF-style: chr10-33502446-G-A.
Other names: c.1482C>T, p.Ile494= (NM_001024628.3, NM_001024629.3, NM_001244972.2 and 2 more transcripts).
Identifiers: ClinVar variation 3355233 (VCV003355233.1).

ClinVar aggregate classification (germline): Likely benign (0 of 4 stars; one submission).

Conditions:
NRP1-related disorder. Also called: NRP1-related condition.

gnomAD v4.1: 14 of 1,613,790 alleles (0.00087%); highest among the groups gnomAD compares: South Asian, 0.0088%; no homozygotes.

Submission:

PreventionGenetics, part of Exact Sciences
Classification: Likely benign for NRP1-related condition. Last evaluated: 2022-01-17. Review status: no assertion criteria provided. Collection method: clinical testing. Allele origin: germline.
Comment: This variant is classified as likely benign based on ACMG/AMP sequence variant interpretation guidelines (Richards et al. 2015 PMID: 25741868, with internal and published modifications).